The following is an entry in ClinVar:

NM_001006658.3(CR2):c.1322C>G (p.Pro441Arg)

Gene: CR2 (complement C3d receptor 2; plus strand). Cytogenetic location: 1q32.2.
Variant type: single nucleotide variant.
Coding change: c.1322C>G on transcript NM_001006658.3 (MANE Select); coding-DNA position 1322, C replaced by G.
Protein change: p.Pro441Arg; replaces proline 441 with arginine.
Molecular consequence: missense variant.
Genome position (GRCh38, 1-based): chr1:207,470,836, C>G. VCF-style: chr1-207470836-C-G. GRCh37 (hg19) VCF-style: chr1-207644181-C-G.
Other names: c.1322C>G, p.Pro441Arg (NM_001877.5); short protein forms P441R.
Identifiers: ClinVar variation 972200 (VCV000972200.7), dbSNP rs775269251, ClinGen allele CA1368685.

ClinVar aggregate classification (germline): Uncertain significance (1 of 4 stars; one submission).

Conditions:
Immunodeficiency, common variable, 7. Identifiers: Orphanet 1572, Orphanet 696894, MedGen C3542922, MONDO:0013862, OMIM 614699.

Allele frequency attached by ClinVar (database versions not stated): TOPMed 0.00001; ExAC 0.00001; gnomAD exomes 0.00001 and 0.00003.
gnomAD v4.1: 38 of 1,613,918 alleles (0.0024%); highest among the groups gnomAD compares: Non-Finnish European, 0.0031%; no homozygotes.

Submission:

Labcorp Genetics (formerly Invitae), Labcorp
Classification: Uncertain significance for Immunodeficiency, common variable, 7. Last evaluated: 2024-01-12. Review status: criteria provided, single submitter. Criteria: Invitae Variant Classification Sherloc (09022015). Collection method: clinical testing. Allele origin: germline.
Comment: This sequence change replaces proline, which is neutral and non-polar, with arginine, which is basic and polar, at codon 441 of the CR2 protein (p.Pro441Arg). This variant is present in population databases (rs775269251, gnomAD 0.002%). This variant has not been reported in the literature in individuals affected with CR2-related conditions. ClinVar contains an entry for this variant (Variation ID: 972200). An algorithm developed to predict the effect of missense changes on protein structure and function (PolyPhen-2) suggests that this variant is likely to be disruptive. In summary, the available evidence is currently insufficient to determine the role of this variant in disease. Therefore, it has been classified as a Variant of Uncertain Significance.